The following is an entry in ClinVar:

ClinVar aggregate classification (germline): Benign. Review status: criteria provided, multiple submitters, no conflicts (2 of 4 stars). 7 submissions from 7 submitters: Benign (6). 1 of the submissions does not count toward it. Last evaluated 2026-02-04.

Conditions:
Meier-Gorlin syndrome 4 (MGORS4). Identifiers: Orphanet 2554, MedGen C3151120, MONDO:0013431, OMIM 613804.

Allele frequency attached by ClinVar (database versions not stated): gnomAD exomes 0.39270 and 0.44195; ExAC 0.44421; gnomAD 0.49516 and 0.49695; ESP Exome Variant Server 0.49546; TOPMed 0.51815; 1000 Genomes Project 30x 0.56949; 1000 Genomes Project 0.57129.

Submissions (7):

Labcorp Genetics (formerly Invitae), Labcorp
Classification: Benign. Last evaluated: 2026-02-04. Review status: criteria provided, single submitter. Criteria: Invitae Variant Classification Sherloc (09022015). Collection method: clinical testing. Allele origin: germline.

Blueprint Genetics
Classification: Benign. Last evaluated: 2024-11-27. Review status: criteria provided, single submitter. Criteria: ACMG Guidelines, 2015. Collection method: clinical testing. Allele origin: germline.

Genome-Nilou Lab
Classification: Benign for Meier-Gorlin syndrome 4. Last evaluated: 2021-07-22. Review status: criteria provided, single submitter. Criteria: ACMG Guidelines, 2015. Collection method: clinical testing. Allele origin: germline. Affected: no.

GeneDx
Classification: Benign. Last evaluated: 2018-07-05. Review status: criteria provided, single submitter. Criteria: GeneDx Variant Classification Process June 2021. Collection method: clinical testing. Allele origin: germline. Affected: yes.

Breakthrough Genomics
Classification: Benign. Review status: criteria provided, single submitter. Criteria: ACMG Guidelines, 2015. Collection method: not provided. Allele origin: germline. Inheritance: Autosomal recessive inheritance. Affected: yes.

PreventionGenetics, part of Exact Sciences
Classification: Benign. Review status: criteria provided, single submitter. Criteria: ACMG Guidelines, 2015. Collection method: clinical testing. Allele origin: germline.

Genetic Services Laboratory, University of Chicago
Classification: Likely benign for AllHighlyPenetrant. Review status: no assertion criteria provided. Collection method: clinical testing. Allele origin: germline. Inheritance: Autosomal recessive inheritance. Not counted in ClinVar's aggregate classification.
Comment: Likely benign based on allele frequency in 1000 Genomes Project or ESP global frequency and its presence in a patient with a rare or unrelated disease phenotype. NOT Sanger confirmed.

NM_030928.4(CDT1):c.784A>G (p.Thr262Ala)

Gene: CDT1 (chromatin licensing and DNA replication factor 1; plus strand). Cytogenetic location: 16q24.3.
Variant type: single nucleotide variant.
Coding change: c.784A>G on transcript NM_030928.4 (MANE Select); coding-DNA position 784, A replaced by G.
Protein change: p.Thr262Ala; replaces threonine 262 with alanine.
Molecular consequence: missense variant.
Genome position (GRCh38, 1-based): chr16:88,805,821, A>G. VCF-style: chr16-88805821-A-G. GRCh37 (hg19) VCF-style: chr16-88872229-A-G.
Other names: short protein forms T262A.
Identifiers: ClinVar variation 128682 (VCV000128682.21), dbSNP rs480727, ClinGen allele CA152280.